The following is an entry in ClinVar:

ClinVar aggregate classification (germline): Uncertain significance (1 of 4 stars; one submission).

Conditions:
Primary ciliary dyskinesia 7. Also called: CILIARY DYSKINESIA, PRIMARY, 7, WITH OR WITHOUT SITUS INVERSUS. Identifiers: Orphanet 244, MedGen C2678473, MONDO:0012748, OMIM 611884.

gnomAD v4.1: 13 of 1,613,512 alleles (0.00081%); highest among the groups gnomAD compares: South Asian, 0.014%; no homozygotes.

Submission:

Broad Center for Mendelian Genomics, Broad Institute of MIT and Harvard
Classification: Uncertain significance for Primary ciliary dyskinesia 7. Last evaluated: 2025-02-19. Review status: criteria provided, single submitter. Criteria: ACMG Guidelines, 2015. Collection method: curation. Allele origin: germline. Inheritance: Autosomal recessive inheritance.
Comment: The p.Ser2863Arg variant in DNAH11 has been reported in 1 individual with primary ciliary dyskinesia (PMID: 26909801), and has been identified in 0.01% (13/91000) of South Asian chromosomes by the Genome Aggregation Database (gnomAD; dbSNP rs762164783). Although this variant has been seen in the general population in a heterozygous state, its frequency is low enough to be consistent with a recessive carrier frequency. Computational prediction tools and conservation analyses do not provide strong support for or against an impact to the protein. In summary, the clinical significance of the p.Ser2863Arg variant is uncertain. ACMG/AMP Criteria applied: PM2_supporting (Richards 2015).

NM_001277115.2(DNAH11):c.8589C>G (p.Ser2863Arg)

Gene: DNAH11 (dynein axonemal heavy chain 11; plus strand). Cytogenetic location: 7p15.3.
Variant type: single nucleotide variant.
Coding change: c.8589C>G on transcript NM_001277115.2 (MANE Select); coding-DNA position 8589, C replaced by G.
Protein change: p.Ser2863Arg; replaces serine 2863 with arginine.
Molecular consequence: missense variant.
Genome position (GRCh38, 1-based): chr7:21,748,658, C>G. VCF-style: chr7-21748658-C-G. GRCh37 (hg19) VCF-style: chr7-21788276-C-G.
Other names: NM_001277115.2:c.8589C>G; short protein forms S2863R.
Identifiers: ClinVar variation 3776938 (VCV003776938.1).
Genomic context (GRCh38, chr7:21,748,658, plus strand): 5'-CTTACGAACCCCTCAGGGCTGTGCTCTCTTGGTTGGAGTTGGGGGCAGTGGCAAGCAGAG[C>G]TTGTCCAGGCTGGCAGCTTACCTTCGTGGCCTTGAGGTCTTTCAGATCACTCTGACCGAG-3'
Protein context (NP_001264044.1, residues 2853-2873): LVGVGGSGKQ[Ser2863Arg]LSRLAAYLRG